The following is an entry in ClinVar:

ClinVar aggregate classification (germline): Likely pathogenic. Review status: criteria provided, multiple submitters, no conflicts (2 of 4 stars). 2 submissions from 2 submitters: Likely pathogenic (2). Last evaluated 2024-07-23.

Conditions:
Methylcrotonyl-CoA carboxylase deficiency. Also called: 3 Methylcrotonylglycinuria; 3-MCC Deficiency; Deficiency of methylcrotonoyl-CoA carboxylase. Identifiers: Orphanet 6, MedGen C4551505, MONDO:0018950.
3-methylcrotonyl-CoA carboxylase 2 deficiency. Also called: 3 alpha methylcrotonyl-CoA carboxylase 2 deficiency; 3 alpha methylcrotonylglycinuria 2; MCC 2 deficiency; Methylcrotonylglycinuria type 2; METHYLCROTONYLGLYCINURIA, TYPE II. Identifiers: Orphanet 6, MedGen C1859499, MONDO:0008862, OMIM 210210.

Submissions (2):

Women's Health and Genetics/Laboratory Corporation of America, LabCorp
Classification: Likely pathogenic for Methylcrotonyl-CoA carboxylase deficiency. Last evaluated: 2024-07-23. Review status: criteria provided, single submitter. Criteria: LabCorp Variant Classification Summary - May 2015. Collection method: clinical testing. Allele origin: germline.
Comment: Variant summary: MCCC2 c.416C>T (p.Thr139Ile) results in a non-conservative amino acid change located in the acetyl-coenzyme A carboxyltransferase, N-terminal domain (IPR011762) of the encoded protein sequence. Five of five in-silico tools predict a damaging effect of the variant on protein function. The variant was absent in 251482 control chromosomes. c.416C>T has been reported in the literature in the compound heterozygous state in individuals affected with Methylcrotonyl-CoA Carboxylase Deficiency (e.g. Wang_2019, Yang_2015, Cheng_2023). These data indicate that the variant is likely to be associated with disease. To our knowledge, no experimental evidence demonstrating an impact on protein function has been reported. The following publications have been ascertained in the context of this evaluation (PMID: 36822454, 31730530, 25382614). ClinVar contains an entry for this variant (Variation ID: 2203656). Based on the evidence outlined above, the variant was classified as likely pathogenic.

Labcorp Genetics (formerly Invitae), Labcorp
Classification: Likely pathogenic for 3-methylcrotonyl-CoA carboxylase 2 deficiency. Last evaluated: 2022-03-11. Review status: criteria provided, single submitter. Criteria: Invitae Variant Classification Sherloc (09022015). Collection method: clinical testing. Allele origin: germline.
Comment: In summary, the currently available evidence indicates that the variant is pathogenic, but additional data are needed to prove that conclusively. Therefore, this variant has been classified as Likely Pathogenic. Advanced modeling of protein sequence and biophysical properties (such as structural, functional, and spatial information, amino acid conservation, physicochemical variation, residue mobility, and thermodynamic stability) performed at Invitae indicates that this missense variant is expected to disrupt MCCC2 protein function. This missense change has been observed in individuals with 3-methylcrotonyl-CoA carboxylase deficiency (PMID: 25382614, 31730530). This variant is not present in population databases (gnomAD no frequency). This sequence change replaces threonine, which is neutral and polar, with isoleucine, which is neutral and non-polar, at codon 139 of the MCCC2 protein (p.Thr139Ile).

Literature cited by the submitters: PubMed 31730530 (cited by Women's Health and Genetics/Laboratory Corporation of America, LabCorp and Labcorp Genetics (formerly Invitae), Labcorp); PubMed 25382614 (cited by Women's Health and Genetics/Laboratory Corporation of America, LabCorp and Labcorp Genetics (formerly Invitae), Labcorp); PubMed 36822454 (cited by Women's Health and Genetics/Laboratory Corporation of America, LabCorp).

NM_022132.5(MCCC2):c.416C>T (p.Thr139Ile)

Gene: MCCC2 (methylcrotonyl-CoA carboxylase subunit 2; plus strand). Cytogenetic location: 5q13.2.
Variant type: single nucleotide variant.
Coding change: c.416C>T on transcript NM_022132.5 (MANE Select); coding-DNA position 416, C replaced by T.
Protein change: p.Thr139Ile; replaces threonine 139 with isoleucine.
Molecular consequence: missense variant.
Genome position (GRCh38, 1-based): chr5:71,602,538, C>T. VCF-style: chr5-71602538-C-T. GRCh37 (hg19) VCF-style: chr5-70898365-C-T.
Other names: c.416C>T, p.Thr139Ile (NM_001363147.1); short protein forms T139I.
Identifiers: ClinVar variation 2203656 (VCV002203656.5), dbSNP rs2530733439, ClinGen allele CA360010415.